The following is an entry in ClinVar:

NM_001267550.2(TTN):c.7815C>T (p.Tyr2605=)

Gene: TTN (titin; minus strand). Cytogenetic location: 2q31.2.
Variant type: single nucleotide variant.
Coding change: c.7815C>T on transcript NM_001267550.2 (MANE Select); coding-DNA position 7815, C replaced by T.
Protein change: p.Tyr2605=; no amino-acid change (tyrosine 2605 retained).
Molecular consequence: synonymous variant.
Genome position (GRCh38, 1-based): chr2:178,773,149, G>A on the plus strand (C>T on the coding strand, the complement: TTN is on the minus strand). VCF-style: chr2-178773149-G-A. GRCh37 (hg19) VCF-style: chr2-179637876-G-A.
Other names: c.7815C>T, p.Tyr2605= (NM_001256850.1, NM_133378.4, NM_133379.5); c.7677C>T, p.Tyr2559= (NM_003319.4, NM_133432.3, NM_133437.4).
Identifiers: ClinVar variation 696634 (VCV000696634.49), dbSNP rs184428451, ClinGen allele CA2004751.

ClinVar aggregate classification (germline): Conflicting classifications of pathogenicity. Review status: criteria provided, conflicting classifications (1 of 4 stars). 7 submissions from 7 submitters: Uncertain significance (1); Likely benign (6). Last evaluated 2025-12-15.

Conditions:
Autosomal recessive limb-girdle muscular dystrophy type 2J (LGMDR10). Also called: Limb-girdle muscular dystrophy, type 2J; MUSCULAR DYSTROPHY, LIMB-GIRDLE, AUTOSOMAL RECESSIVE 10. Identifiers: Orphanet 140922, MedGen C1837342, MONDO:0012127, OMIM 608807.
Dilated cardiomyopathy 1G (CMD1G). Identifiers: Orphanet 154, MedGen C1858763, MONDO:0011400, OMIM 604145.
Cardiovascular phenotype. Identifiers: MedGen CN230736.
Cardiomyopathy (CMYO). Also called: Cardiomyopathies. Identifiers: Orphanet 167848, MedGen C0878544, MONDO:0004994, HP:0001638. Inheritance: Various modes of inheritance.

Allele frequency attached by ClinVar (database versions not stated): ExAC 0.00002; gnomAD 0.00004; gnomAD exomes 0.00004 and 0.00005; TOPMed 0.00006; ESP Exome Variant Server 0.00008; 1000 Genomes Project 30x 0.00016; 1000 Genomes Project 0.00020.
gnomAD v4.1: 73 of 1,613,788 alleles (0.0045%); highest among the groups gnomAD compares: Admixed American, 0.01%; no homozygotes.

Submissions (7):

Labcorp Genetics (formerly Invitae), Labcorp
Classification: Likely benign for Dilated cardiomyopathy 1G; Autosomal recessive limb-girdle muscular dystrophy type 2J. Last evaluated: 2025-12-15. Review status: criteria provided, single submitter. Criteria: Invitae Variant Classification Sherloc (09022015). Collection method: clinical testing. Allele origin: germline.

CeGaT Center for Human Genetics Tuebingen
Classification: Likely benign. Last evaluated: 2025-05-01. Review status: criteria provided, single submitter. Criteria: CeGaT Center For Human Genetics Tuebingen Variant Classification Criteria Version 2. Collection method: clinical testing. Allele origin: germline. Affected: yes. Observed: 2 variant alleles.
Comment: TTN: BP4, BP7

Molecular Diagnostic Laboratory for Inherited Cardiovascular Disease, Montreal Heart Institute
Classification: Likely benign. Last evaluated: 2025-04-09. Review status: criteria provided, single submitter. Criteria: ACMG Guidelines, 2015. Collection method: clinical testing. Allele origin: germline. Affected: no.

Blueprint Genetics
Classification: Likely benign. Last evaluated: 2024-09-10. Review status: criteria provided, single submitter. Criteria: ACMG Guidelines, 2015. Collection method: clinical testing. Allele origin: germline.

Revvity Omics, Revvity
Classification: Uncertain significance. Last evaluated: 2019-12-16. Review status: criteria provided, single submitter. Criteria: ACMG Guidelines, 2015. Collection method: clinical testing. Allele origin: germline.

Ambry Genetics
Classification: Likely benign for Cardiovascular phenotype. Last evaluated: 2019-08-10. Review status: criteria provided, single submitter. Criteria: Ambry Variant Classification Scheme 2023. Collection method: clinical testing. Allele origin: germline.

CHEO Genetics Diagnostic Laboratory, Children's Hospital of Eastern Ontario
Classification: Likely benign for Cardiomyopathy. Last evaluated: 2017-11-27. Review status: criteria provided, single submitter. Criteria: ACMG Guidelines, 2015. Collection method: clinical testing. Allele origin: germline.